The following is an entry in ClinVar:

NM_001290060.2(SEMA3B):c.1193T>C (p.Val398Ala)

Gene: SEMA3B (semaphorin 3B; plus strand). Cytogenetic location: 3p21.31.
Variant type: single nucleotide variant.
Coding change: c.1193T>C on transcript NM_001290060.2 (MANE Select); coding-DNA position 1193, T replaced by C.
Protein change: p.Val398Ala; replaces valine 398 with alanine.
Molecular consequence: missense variant. On other transcripts: non-coding transcript variant (1).
Genome position (GRCh38, 1-based): chr3:50,274,418, T>C. VCF-style: chr3-50274418-T-C. GRCh37 (hg19) VCF-style: chr3-50311849-T-C.
Other names: c.1190T>C, p.Val397Ala (NM_001005914.3); c.1208T>C, p.Val403Ala (NM_001290061.1); c.164T>C, p.Val55Ala (NM_001290062.2, NM_001290063.2); c.1193T>C, p.Val398Ala (NM_004636.4); short protein forms V397A, V398A, V403A, V55A.
Identifiers: ClinVar variation 3032606 (VCV003032606.3), dbSNP rs988335544, ClinGen allele CA74623367.

ClinVar aggregate classification (germline): Uncertain significance (1 of 4 stars; one submission).

Conditions:
SEMA3B-related disorder. Also called: SEMA3B-related condition.

Allele frequency attached by ClinVar (database versions not stated): TOPMed 0.00002.
gnomAD v4.1: 16 of 1,513,536 alleles (0.0011%); highest among the groups gnomAD compares: Admixed American, 0.014%; no homozygotes.

Submission:

PreventionGenetics, part of Exact Sciences
Classification: Uncertain significance for SEMA3B-related condition. Last evaluated: 2026-07-01. Review status: criteria provided, single submitter. Criteria: ACMG Guidelines, 2015. Collection method: clinical testing. Allele origin: germline.
Comment: The SEMA3B c.1208T>C variant is predicted to result in the amino acid substitution p.Val403Ala. To our knowledge, this variant has not been reported in the literature. This variant is reported in 0.0050% of alleles in individuals of Latino descent in gnomAD. At this time, the clinical significance of this variant is uncertain due to the absence of conclusive functional and genetic evidence.